The following is an entry in ClinVar:

NM_020461.4(TUBGCP6):c.4305C>G (p.Tyr1435Ter)

Gene: TUBGCP6 (tubulin gamma complex component 6; minus strand). Cytogenetic location: 22q13.33.
Variant type: single nucleotide variant.
Coding change: c.4305C>G on transcript NM_020461.4 (MANE Select); coding-DNA position 4305, C replaced by G.
Protein change: p.Tyr1435Ter; replaces tyrosine 1435 with a stop codon.
Molecular consequence: nonsense.
Genome position (GRCh38, 1-based): chr22:50,219,654, G>C on the plus strand (C>G on the coding strand, the complement: TUBGCP6 is on the minus strand). VCF-style: chr22-50219654-G-C. GRCh37 (hg19) VCF-style: chr22-50658083-G-C.
Other names: short protein forms Y1435*.
Identifiers: ClinVar variation 2039342 (VCV002039342.4), dbSNP rs528159783, ClinGen allele CA412174702.

ClinVar aggregate classification (germline): Pathogenic (1 of 4 stars; one submission).

gnomAD v4.1: 2 of 1,613,484 alleles (0.00012%); highest among the groups gnomAD compares: Non-Finnish European, 0.000085%; no homozygotes.

Submission:

Labcorp Genetics (formerly Invitae), Labcorp
Classification: Pathogenic. Last evaluated: 2023-07-03. Review status: criteria provided, single submitter. Criteria: Invitae Variant Classification Sherloc (09022015). Collection method: clinical testing. Allele origin: germline.
Comment: For these reasons, this variant has been classified as Pathogenic. Algorithms developed to predict the effect of sequence changes on RNA splicing suggest that this variant may disrupt the consensus splice site. ClinVar contains an entry for this variant (Variation ID: 2039342). This variant has not been reported in the literature in individuals affected with TUBGCP6-related conditions. This variant is not present in population databases (gnomAD no frequency). This sequence change creates a premature translational stop signal (p.Tyr1435*) in the TUBGCP6 gene. It is expected to result in an absent or disrupted protein product. Loss-of-function variants in TUBGCP6 are known to be pathogenic (PMID: 25344692).

Literature cited by the submitters: PubMed 25344692.